The following is an entry in ClinVar:

NM_001081.4(CUBN):c.1088A>G (p.Asp363Gly)

Gene: CUBN (cubilin; minus strand). Cytogenetic location: 10p13.
Variant type: single nucleotide variant.
Coding change: c.1088A>G on transcript NM_001081.4 (MANE Select); coding-DNA position 1088, A replaced by G.
Protein change: p.Asp363Gly; replaces aspartic acid 363 with glycine.
Molecular consequence: missense variant.
Genome position (GRCh38, 1-based): chr10:17,109,663, T>C on the plus strand (A>G on the coding strand, the complement: CUBN is on the minus strand). VCF-style: chr10-17109663-T-C. GRCh37 (hg19) VCF-style: chr10-17151662-T-C.
Other names: c.1088A>G (NM_001081.3); short protein forms D363G.
Identifiers: ClinVar variation 1124181 (VCV001124181.12), dbSNP rs138044409, ClinGen allele CA5425409.

ClinVar aggregate classification (germline): Likely benign. Review status: criteria provided, multiple submitters, no conflicts (2 of 4 stars). 3 submissions from 3 submitters: Likely benign (2). 1 of the submissions does not count toward it. Last evaluated 2026-01-10.

Conditions:
CUBN-related disorder. Also called: CUBN-related condition.
Imerslund-Grasbeck syndrome. Also called: ENTEROCYTE COBALAMIN MALABSORPTION; ENTEROCYTE INTRINSIC FACTOR RECEPTOR, DEFECT OF; Megaloblastic anemia due to inborn errors of metabolism; PERNICIOUS ANEMIA, JUVENILE, DUE TO SELECTIVE INTESTINAL MALABSORPTION OF VITAMIN B12, WITH PROTEINURIA; Imerslund-Gräsbeck syndrome. Identifiers: Orphanet 35858, MedGen C4551825, MONDO:0009853.

Allele frequency attached by ClinVar (database versions not stated): ESP Exome Variant Server 0.00092; 1000 Genomes Project 30x 0.00187; 1000 Genomes Project 0.00220.
gnomAD v4.1: 465 of 1,613,848 alleles (0.029%); highest among the groups gnomAD compares: African/African-American, 0.54%; 1 homozygote.

Submissions (3):

Labcorp Genetics (formerly Invitae), Labcorp
Classification: Likely benign for Imerslund-Grasbeck syndrome. Last evaluated: 2026-01-10. Review status: criteria provided, single submitter. Criteria: Invitae Variant Classification Sherloc (09022015). Collection method: clinical testing. Allele origin: germline.

Breakthrough Genomics
Classification: Likely benign. Review status: criteria provided, single submitter. Criteria: ACMG Guidelines, 2015. Collection method: not provided. Allele origin: germline. Inheritance: Autosomal recessive inheritance. Affected: yes.

PreventionGenetics, part of Exact Sciences
Classification: Likely benign for CUBN-related condition. Last evaluated: 2021-10-21. Review status: no assertion criteria provided. Collection method: clinical testing. Allele origin: germline. Not counted in ClinVar's aggregate classification.
Comment: This variant is classified as likely benign based on ACMG/AMP sequence variant interpretation guidelines (Richards et al. 2015 PMID: 25741868, with internal and published modifications).